The following is an entry in ClinVar:

ClinVar aggregate classification (germline): Uncertain significance (1 of 4 stars; one submission).

Conditions:
Developmental and epileptic encephalopathy, 8 (DEE8). Also called: HYPEREKPLEXIA AND EPILEPSY. Identifiers: Orphanet 163985, Orphanet 2076, MedGen C1845102, MONDO:0010375, OMIM 300607.

gnomAD v4.1: 2 of 1,210,099 alleles (0.00017%); highest among the groups gnomAD compares: Non-Finnish European, 0.00022%; no homozygotes.

Submission:

Labcorp Genetics (formerly Invitae), Labcorp
Classification: Uncertain significance for Developmental and epileptic encephalopathy, 8. Last evaluated: 2024-08-28. Review status: criteria provided, single submitter. Criteria: Invitae Variant Classification Sherloc (09022015). Collection method: clinical testing. Allele origin: germline.
Comment: This sequence change replaces threonine, which is neutral and polar, with asparagine, which is neutral and polar, at codon 322 of the ARHGEF9 protein (p.Thr322Asn). This variant is not present in population databases (gnomAD no frequency). This missense change has been observed in individual(s) with neurodevelopmental disorder (PMID: 37541188). Invitae Evidence Modeling of protein sequence and biophysical properties (such as structural, functional, and spatial information, amino acid conservation, physicochemical variation, residue mobility, and thermodynamic stability) has been performed for this missense variant. However, the output from this modeling did not meet the statistical confidence thresholds required to predict the impact of this variant on ARHGEF9 protein function. In summary, the available evidence is currently insufficient to determine the role of this variant in disease. Therefore, it has been classified as a Variant of Uncertain Significance.

Literature cited by the submitters: PubMed 37541188.

NM_001353921.2(ARHGEF9):c.986C>A (p.Thr329Asn)

Gene: ARHGEF9 (Cdc42 guanine nucleotide exchange factor 9; minus strand). Cytogenetic location: Xq11.1.
Variant type: single nucleotide variant.
Coding change: c.986C>A on transcript NM_001353921.2 (MANE Select); coding-DNA position 986, C replaced by A.
Protein change: p.Thr329Asn; replaces threonine 329 with asparagine.
Molecular consequence: missense variant. On other transcripts: intron variant (5).
Genome position (GRCh38, 1-based): chrX:63,665,977, G>T on the plus strand (C>A on the coding strand, the complement: ARHGEF9 is on the minus strand). VCF-style: chrX-63665977-G-T. GRCh37 (hg19) VCF-style: chrX-62885857-G-T.
Other names: c.1004C>A, p.Thr335Asn (NM_001353923.1); c.785C>A, p.Thr262Asn (NM_001353924.2, NM_001353926.2, NM_001369039.1 and 1 more transcripts); c.965C>A, p.Thr322Asn (NM_001369030.1, NM_001369031.1, NM_001369032.1 and 1 more transcripts); c.902C>A, p.Thr301Asn (NM_001369033.1, NM_001369034.1, NM_001369035.1 and 6 more transcripts); c.659C>A, p.Thr220Asn (NM_001369042.1, NM_001173480.2); c.945+8061C>A (NM_001353922.2); c.861+8061C>A (NM_001369041.1, NM_001353927.2); c.510+8061C>A (NM_001369045.1); and 2 more; short protein forms T262N, T269N, T322N, T329N, T220N, T301N, T335N.
Identifiers: ClinVar variation 3689487 (VCV003689487.2).